The following is an entry in ClinVar:

ClinVar aggregate classification (germline): Uncertain significance (1 of 4 stars; one submission).

Conditions:
Retinoblastoma (RB1). Also called: RETINOBLASTOMA, SOMATIC. Identifiers: Orphanet 790, MedGen C0035335, MeSH D012175, MONDO:0008380, OMIM 180200, HP:0009919. Disease mechanism: loss of function. Inheritance: Both sporadic and heritable forms are tested..

Allele frequency attached by ClinVar (database versions not stated): gnomAD exomes below 0.00001; ExAC 0.00001.

Submission:

Labcorp Genetics (formerly Invitae), Labcorp
Classification: Uncertain significance for Retinoblastoma. Last evaluated: 2022-03-07. Review status: criteria provided, single submitter. Criteria: Invitae Variant Classification Sherloc (09022015). Collection method: clinical testing. Allele origin: germline.
Comment: This variant is present in population databases (rs775559506, gnomAD 0.0009%). This variant has not been reported in the literature in individuals affected with RB1-related conditions. Algorithms developed to predict the effect of missense changes on protein structure and function are either unavailable or do not agree on the potential impact of this missense change (SIFT: "Deleterious"; PolyPhen-2: "Benign"; Align-GVGD: "Class C0"). Algorithms developed to predict the effect of sequence changes on RNA splicing suggest that this variant may disrupt the consensus splice site. In summary, the available evidence is currently insufficient to determine the role of this variant in disease. Therefore, it has been classified as a Variant of Uncertain Significance. This sequence change replaces serine, which is neutral and polar, with glycine, which is neutral and non-polar, at codon 127 of the RB1 protein (p.Ser127Gly).

NM_000321.3(RB1):c.379A>G (p.Ser127Gly)

Gene: RB1 (RB transcriptional corepressor 1; plus strand). Cytogenetic location: 13q14.2.
Variant type: single nucleotide variant.
Coding change: c.379A>G on transcript NM_000321.3 (MANE Select); coding-DNA position 379, A replaced by G.
Protein change: p.Ser127Gly; replaces serine 127 with glycine.
Molecular consequence: missense variant.
Genome position (GRCh38, 1-based): chr13:48,342,713, A>G. VCF-style: chr13-48342713-A-G. GRCh37 (hg19) VCF-style: chr13-48916849-A-G.
Other names: short protein forms S127G.
Identifiers: ClinVar variation 1359049 (VCV001359049.8), dbSNP rs775559506, ClinGen allele CA037786.